The following is an entry in ClinVar:

ClinVar aggregate classification (germline): Uncertain significance (1 of 4 stars; one submission).

Conditions:
Malignant hyperthermia, susceptibility to, 1 (MHS1). Also called: Anesthesia related hyperthermia; Malignant hyperpyrexia; Fulminating hyperpyrexia; Pharmacogenic myopathy; RYR1-Related Malignant Hyperthermia Susceptibility; Malignant hyperthermia suceptibility 1. Identifiers: Orphanet 423, MedGen C2930980, MONDO:0007783, OMIM 145600.

Submission:

All of Us Research Program, National Institutes of Health
Classification: Uncertain significance for Malignant hyperthermia, susceptibility to, 1. Last evaluated: 2023-12-01. Review status: criteria provided, single submitter. Criteria: ACMG Guidelines, 2015. Collection method: clinical testing. Allele origin: germline. Inheritance: Autosomal dominant inheritance. Observed: 1 variant allele, 1 heterozygote.
Comment: This study involves interpretation of variants in research participants for the purpose of population health screening. Participant phenotype was not available at the time of variant classification. Additional details can be found in publication PMID: 35346344, PMCID: PMC8962531

NM_000540.3(RYR1):c.8813C>G (p.Thr2938Arg)

Gene: RYR1 (ryanodine receptor 1; plus strand). Cytogenetic location: 19q13.2.
Variant type: single nucleotide variant.
Coding change: c.8813C>G on transcript NM_000540.3 (MANE Select); coding-DNA position 8813, C replaced by G.
Protein change: p.Thr2938Arg; replaces threonine 2938 with arginine.
Molecular consequence: missense variant.
Genome position (GRCh38, 1-based): chr19:38,506,949, C>G. VCF-style: chr19-38506949-C-G. GRCh37 (hg19) VCF-style: chr19-38997589-C-G.
Other names: c.8813C>G, p.Thr2938Arg (NM_001042723.2); short protein forms T2938R.
Identifiers: ClinVar variation 3074132 (VCV003074132.1), dbSNP rs376494159, ClinGen allele CA405681504.